The following is an entry in ClinVar:

ClinVar aggregate classification (germline): Pathogenic (1 of 4 stars; one submission).

Submission:

Labcorp Genetics (formerly Invitae), Labcorp
Classification: Pathogenic. Last evaluated: 2025-11-03. Review status: criteria provided, single submitter. Criteria: Invitae Variant Classification Sherloc (09022015). Collection method: clinical testing. Allele origin: germline.
Comment: This sequence change creates a premature translational stop signal (p.Tyr458*) in the SCNN1A gene. It is expected to result in an absent or disrupted protein product. Loss-of-function variants in SCNN1A are known to be pathogenic (PMID: 10403853, 23416952). This variant is not present in population databases (gnomAD no frequency). This variant has not been reported in the literature in individuals affected with SCNN1A-related conditions. For these reasons, this variant has been classified as Pathogenic.

Literature cited by the submitters: PubMed 10403853; PubMed 23416952.

NM_001038.6(SCNN1A):c.1374_1375del (p.Tyr458_Lys459delinsTer)

Gene: SCNN1A (sodium channel epithelial 1 subunit alpha; minus strand). Cytogenetic location: 12p13.31.
Variant type: Microsatellite.
Coding change: c.1374_1375del on transcript NM_001038.6 (MANE Select); coding-DNA positions 1374 to 1375, 2 bases deleted (TA; older notation c.1374_1375delTA).
Protein change: p.Tyr458_Lys459delinsTer.
Molecular consequence: nonsense.
Genome position (GRCh38, 1-based): chr12:6,349,391-6,349,392, TA deleted on the plus strand (TA on the coding strand, the reverse complement: SCNN1A is on the minus strand); deleting any 2 consecutive bases within chr12:6,349,391-6,349,394 gives the same sequence; the c. name uses the placement nearest the transcript's 3' end. VCF-style (leftmost placement, unchanged base first): chr12-6349390-TTA-T. GRCh37 (hg19) VCF-style: chr12-6458556-TTA-T.
Other names: c.1443_1444del, p.Tyr481_Lys482delinsTer (NM_001159575.2); c.1551_1552del, p.Tyr517_Lys518delinsTer (NM_001159576.2).
Identifiers: ClinVar variation 4805249 (VCV004805249.1).